The following is an entry in ClinVar:

NM_001082486.2(ACD):c.1266C>G (p.Cys422Trp)

Gene: ACD (ACD shelterin complex subunit and telomerase recruitment factor; minus strand). Cytogenetic location: 16q22.1.
Variant type: single nucleotide variant.
Coding change: c.1266C>G on transcript NM_001082486.2 (MANE Select); coding-DNA position 1266, C replaced by G.
Protein change: p.Cys422Trp; replaces cysteine 422 with tryptophan.
Molecular consequence: missense variant.
Genome position (GRCh38, 1-based): chr16:67,657,794, G>C on the plus strand (C>G on the coding strand, the complement: ACD is on the minus strand). VCF-style: chr16-67657794-G-C. GRCh37 (hg19) VCF-style: chr16-67691697-G-C.
Other names: c.1179C>G, p.Cys393Trp (NM_001410884.1); c.1257C>G, p.Cys419Trp (NM_022914.3); short protein forms C419W, C393W, C422W.
Identifiers: ClinVar variation 1774492 (VCV001774492.2), dbSNP rs990151870, ClinGen allele CA396349872.
Genomic context (GRCh38, chr16:67,657,794, plus strand): 5'-AAGAGTTGGGGCAGACCCAGGCACTCACCTGACAGCTTGGACCCGAGCACAGAGGGACGT[G>C]CAGGGTGGCTCATACTCATACTGGAAGGCAGAACCATCACGATGCCTCTTTGGGGGTTCC-3'
Protein context (NP_001075955.2, residues 412-432): SAFQYEYEPP[Cys422Trp]TSLCARVQAV

ClinVar aggregate classification (germline): Uncertain significance (1 of 4 stars; one submission).

Conditions:
Inborn genetic diseases. Identifiers: MedGen C0950123, MeSH D030342.

Submission:

Ambry Genetics
Classification: Uncertain significance for Inborn genetic diseases. Last evaluated: 2022-04-24. Review status: criteria provided, single submitter. Criteria: Ambry Variant Classification Scheme 2023. Collection method: clinical testing. Allele origin: germline.
Comment: The p.C508W variant (also known as c.1524C>G), located in coding exon 11 of the ACD gene, results from a C to G substitution at nucleotide position 1524. The cysteine at codon 508 is replaced by tryptophan, an amino acid with highly dissimilar properties. This amino acid position is conserved. In addition, this alteration is predicted to be tolerated by in silico analysis. Since supporting evidence is limited at this time, the clinical significance of this alteration remains unclear.